The following is an entry in ClinVar:

ClinVar aggregate classification (germline): Uncertain significance. Review status: criteria provided, multiple submitters, no conflicts (2 of 4 stars). 2 submissions from 2 submitters: Uncertain significance (2). Last evaluated 2025-07-20.

Conditions:
Epidermodysplasia verruciformis. Identifiers: Orphanet 302, MedGen C0014522, MONDO:0009176.
Inborn genetic diseases. Identifiers: MedGen C0950123, MeSH D030342.

Allele frequency attached by ClinVar (database versions not stated): ExAC 0.00001; gnomAD exomes 0.00001; TOPMed 0.00001; gnomAD 0.00003.
gnomAD v4.1: 25 of 1,613,862 alleles (0.0015%); highest among the groups gnomAD compares: African/African-American, 0.0053%; no homozygotes.

Submissions (2):

Labcorp Genetics (formerly Invitae), Labcorp
Classification: Uncertain significance for Epidermodysplasia verruciformis. Last evaluated: 2025-07-20. Review status: criteria provided, single submitter. Criteria: Invitae Variant Classification Sherloc (09022015). Collection method: clinical testing. Allele origin: germline.
Comment: This sequence change replaces threonine, which is neutral and polar, with methionine, which is neutral and non-polar, at codon 564 of the TMC6 protein (p.Thr564Met). This variant is present in population databases (rs775756280, gnomAD 0.008%). This variant has not been reported in the literature in individuals affected with TMC6-related conditions. ClinVar contains an entry for this variant (Variation ID: 2169154). An algorithm developed to predict the effect of missense changes on protein structure and function (PolyPhen-2) suggests that this variant is likely to be disruptive. In summary, the available evidence is currently insufficient to determine the role of this variant in disease. Therefore, it has been classified as a Variant of Uncertain Significance.

Ambry Genetics
Classification: Uncertain significance for Inborn genetic diseases. Last evaluated: 2025-01-21. Review status: criteria provided, single submitter. Criteria: Ambry Variant Classification Scheme 2023. Collection method: clinical testing. Allele origin: germline.

NM_001127198.5(TMC6):c.1691C>T (p.Thr564Met)

Gene: TMC6 (transmembrane channel like 6; minus strand). Cytogenetic location: 17q25.3.
Variant type: single nucleotide variant.
Coding change: c.1691C>T on transcript NM_001127198.5 (MANE Select); coding-DNA position 1691, C replaced by T.
Protein change: p.Thr564Met; replaces threonine 564 with methionine.
Molecular consequence: missense variant. On other transcripts: non-coding transcript variant (4), intron variant (2).
Genome position (GRCh38, 1-based): chr17:78,120,677, G>A on the plus strand (C>T on the coding strand, the complement: TMC6 is on the minus strand). VCF-style: chr17-78120677-G-A. GRCh37 (hg19) VCF-style: chr17-76116758-G-A.
Other names: c.1691C>T, p.Thr564Met (NM_001321185.1, NM_001374596.1, NM_001375353.1 and 2 more transcripts); c.1535+336C>T (NM_001374594.1, NM_001374593.1); short protein forms T564M.
Identifiers: ClinVar variation 2169154 (VCV002169154.3), dbSNP rs775756280, ClinGen allele CA8795652.